The following is an entry in ClinVar:

NM_206933.4(USH2A):c.10754C>T (p.Thr3585Ile)

Gene: USH2A (usherin; minus strand). Cytogenetic location: 1q41.
Variant type: single nucleotide variant.
Coding change: c.10754C>T on transcript NM_206933.4 (MANE Select); coding-DNA position 10754, C replaced by T.
Protein change: p.Thr3585Ile; replaces threonine 3585 with isoleucine.
Molecular consequence: missense variant.
Genome position (GRCh38, 1-based): chr1:215,780,028, G>A on the plus strand (C>T on the coding strand, the complement: USH2A is on the minus strand). VCF-style: chr1-215780028-G-A. GRCh37 (hg19) VCF-style: chr1-215953370-G-A.
Other names: short protein forms T3585I.
Identifiers: ClinVar variation 1306306 (VCV001306306.2), dbSNP rs2102760750, ClinGen allele CA344834452.

ClinVar aggregate classification (germline): Uncertain significance (1 of 4 stars; one submission).

Allele frequency attached by ClinVar (database versions not stated): gnomAD exomes below 0.00001.
gnomAD v4.1: 1 of 1,614,142 alleles (0.000062%); highest among the groups gnomAD compares: South Asian, 0.0011%; no homozygotes.

Submission:

GeneDx
Classification: Uncertain significance. Last evaluated: 2019-06-14. Review status: criteria provided, single submitter. Criteria: GeneDx Variant Classification Process June 2021. Collection method: clinical testing. Allele origin: germline. Affected: yes.
Comment: Not observed in large population cohorts (Lek et al., 2016); In silico analysis, which includes protein predictors and evolutionary conservation, supports a deleterious effect; Has not been previously published as pathogenic or benign to our knowledge